The following is an entry in ClinVar:

NM_006912.6(RIT1):c.116T>G (p.Met39Arg)

Gene: RIT1 (Ras like without CAAX 1; minus strand). Cytogenetic location: 1q22.
Variant type: single nucleotide variant.
Coding change: c.116T>G on transcript NM_006912.6 (MANE Select); coding-DNA position 116, T replaced by G.
Protein change: p.Met39Arg; replaces methionine 39 with arginine.
Molecular consequence: missense variant.
Genome position (GRCh38, 1-based): chr1:155,910,497, A>C on the plus strand (T>G on the coding strand, the complement: RIT1 is on the minus strand). VCF-style: chr1-155910497-A-C. GRCh37 (hg19) VCF-style: chr1-155880288-A-C.
Other names: c.8T>G, p.Met3Arg (NM_001256820.2); c.167T>G, p.Met56Arg (NM_001256821.2); c.116T>G (NM_006912.5); short protein forms M39R, M3R, M56R.
Identifiers: ClinVar variation 1299562 (VCV001299562.2), dbSNP rs2102590945, ClinGen allele CA342776082.

ClinVar aggregate classification (germline): Conflicting classifications of pathogenicity. Review status: criteria provided, conflicting classifications (1 of 4 stars). 2 submissions from 2 submitters: Likely pathogenic (1); Uncertain significance (1). Last evaluated 2023-07-17.

Conditions:
Noonan syndrome 8 (NS8). Identifiers: Orphanet 648, MedGen C3809233, MONDO:0014143, OMIM 615355.

Submissions (2):

Victorian Clinical Genetics Services, Murdoch Childrens Research Institute
Classification: Uncertain significance for Noonan syndrome 8. Last evaluated: 2023-07-17. Review status: criteria provided, single submitter. Criteria: ACMG Guidelines, 2015. Collection method: clinical testing. Allele origin: germline. Inheritance: Autosomal dominant inheritance. Affected: yes.
Comment: Based on the classification scheme VCGS_Germline_v1.3.4, this variant is classified as VUS-3A. Following criteria are met: 0101 - Gain of function is a known mechanism of disease in this gene and is associated with Noonan syndrome 8 (MIM#615355). Variants have been shown to result in enhanced ELK1 transactivation (PMID: 23791108). (I) 0107 - This gene is associated with autosomal dominant disease. (I) 0200 - Variant is predicted to result in a missense amino acid change from methionine to arginine. (I) 0251 - This variant is heterozygous. (I) 0301 - Variant is absent from gnomAD (both v2 and v3). (SP) 0309 - Multiple alternative amino acid changes at the same position have been observed in gnomAD (v2) (highest allele count: 2 heterozygotes, 0 homozygotes). (I) 0502 - Missense variant with conflicting in silico predictions and uninformative conservation. (I) 0600 - Variant is located in the annotated Ras family domain (DECIPHER). (I) 0710 - Other missense variants comparable to the one identified in this case have inconclusive previous evidence for pathogenicity. These alternative changes (p.(Met39Thr), p.(Met39Lys), p.(Met39Val)) have been reported as VUSs (ClinVar), where one was observed in an individual with hypertrophic cardiomyopathy (personal communication). (I) 0802 - This variant has moderate previous evidence of pathogenicity in unrelated individuals. This variant has been reported as de novo and likely pathogenic, in an individual with pulmonary valve stenosis (ClinVar, personal communication). (SP) 0905 - No published segregation evidence has been identified for this variant. (I) 1007 - No published functional evidence has been identified for this variant. (I) Legend: (SP) - Supporting pathogenic, (I) - Information, (SB) - Supporting benign

Laboratory of Medical Genetics, National & Kapodistrian University of Athens
Classification: Likely pathogenic for Noonan syndrome 8. Last evaluated: 2021-08-10. Review status: criteria provided, single submitter. Criteria: ACMG Guidelines, 2015. Collection method: clinical testing. Allele origin: de novo. Affected: yes.
Comment: PM2, PP2, PP3, PP4

Literature cited by the submitters: PubMed 23791108 (cited by Victorian Clinical Genetics Services, Murdoch Childrens Research Institute).